The following is an entry in ClinVar:

ClinVar aggregate classification (germline): Benign. Review status: criteria provided, multiple submitters, no conflicts (2 of 4 stars). 3 submissions from 3 submitters: Benign (3). Last evaluated 2026-01-25.

Allele frequency attached by ClinVar (database versions not stated): gnomAD exomes 0.00306; gnomAD 0.01031 and 0.01100; TOPMed 0.01169; ESP Exome Variant Server 0.01269; 1000 Genomes Project 0.01378; 1000 Genomes Project 30x 0.01405.
gnomAD v4.1: 3,357 of 1,613,802 alleles (0.21%); highest among the groups gnomAD compares: African/African-American, 3.5%; 50 homozygotes.

Submissions (3):

Labcorp Genetics (formerly Invitae), Labcorp
Classification: Benign. Last evaluated: 2026-01-25. Review status: criteria provided, single submitter. Criteria: Invitae Variant Classification Sherloc (09022015). Collection method: clinical testing. Allele origin: germline.

Mayo Clinic Laboratories, Mayo Clinic
Classification: Benign. Last evaluated: 2023-12-20. Review status: criteria provided, single submitter. Criteria: ACMG Guidelines, 2015. Collection method: clinical testing. Allele origin: germline. Observed: 5 variant alleles.
Comment: BA1, BS2, BP4_strong

Breakthrough Genomics
Classification: Benign. Review status: criteria provided, single submitter. Criteria: ACMG Guidelines, 2015. Collection method: not provided. Allele origin: germline. Inheritance: Autosomal dominant inheritance. Affected: yes.

NM_001256071.3(RNF213):c.2423C>T (p.Thr808Met)

Gene: RNF213 (ring finger protein 213; plus strand). Cytogenetic location: 17q25.3.
Variant type: single nucleotide variant.
Coding change: c.2423C>T on transcript NM_001256071.3 (MANE Select); coding-DNA position 2423, C replaced by T.
Protein change: p.Thr808Met; replaces threonine 808 with methionine.
Molecular consequence: missense variant.
Genome position (GRCh38, 1-based): chr17:80,306,464, C>T. VCF-style: chr17-80306464-C-T. GRCh37 (hg19) VCF-style: chr17-78280264-C-T.
Other names: p.Thr808Met; c.2423C>T, p.Thr808Met (NM_020954.4); short protein forms T808M.
Identifiers: ClinVar variation 775390 (VCV000775390.11), dbSNP rs74455936, ClinGen allele CA8819823.
Genomic context (GRCh38, chr17:80,306,464, plus strand): 5'-TCCTGGACTGTCTTTCAGGGATTTACTACCGGCTTCCGGGACTTGAGCAAGTCTTGAATA[C>T]GCAGGTTTGTGTCTGAAGTCGGCTCTGGAGTCCTGGCTTAGCAAAAGCAGACTAGATAAC-3'
Protein context (NP_001243000.2, residues 798-818): RLPGLEQVLN[Thr808Met]QDVQDVQNVQ